The following is an entry in ClinVar:

NM_019066.5(MAGEL2):c.1731G>A (p.Pro577=)

Gene: MAGEL2 (MAGE family member L2; minus strand). Cytogenetic location: 15q11.2.
Variant type: single nucleotide variant.
Coding change: c.1731G>A on transcript NM_019066.5 (MANE Select); coding-DNA position 1731, G replaced by A.
Protein change: p.Pro577=; no amino-acid change (proline 577 retained).
Molecular consequence: synonymous variant.
Genome position (GRCh38, 1-based): chr15:23,646,012, C>T on the plus strand (G>A on the coding strand, the complement: MAGEL2 is on the minus strand). VCF-style: chr15-23646012-C-T. GRCh37 (hg19) VCF-style: chr15-23891159-C-T.
Identifiers: ClinVar variation 2794215 (VCV002794215.3), dbSNP rs2140715127, ClinGen allele CA2627294053.
Genomic context (GRCh38, chr15:23,646,012, plus strand): 5'-TGGCACCGGGGGCTGACCTTTGGGGGCCTGCCAGATGATGGAAGGGCAGTGCACAGCCTG[C>T]GGGGCAGACAGTGGGGCAGACAGCGGGGCCGGCAGCACAGGCTGGGGCACCTGCGGGCCA-3'
Protein context (NP_061939.3, residues 567-587): PAPLSAPLSA[Pro577=]QAVHCPSIIW

ClinVar aggregate classification (germline): Uncertain significance (1 of 4 stars; one submission).

Submission:

Labcorp Genetics (formerly Invitae), Labcorp
Classification: Uncertain significance. Last evaluated: 2022-12-02. Review status: criteria provided, single submitter. Criteria: Invitae Variant Classification Sherloc (09022015). Collection method: clinical testing. Allele origin: germline.
Comment: In summary, the available evidence is currently insufficient to determine the role of this variant in disease. Therefore, it has been classified as a Variant of Uncertain Significance. This variant has not been reported in the literature in individuals affected with MAGEL2-related conditions. This variant is not present in population databases (gnomAD no frequency). This sequence change affects codon 577 of the MAGEL2 mRNA. It is a 'silent' change, meaning that it does not change the encoded amino acid sequence of the MAGEL2 protein.